The following is an entry in ClinVar:

NM_024422.6(DSC2):c.2312C>A (p.Thr771Asn)

Gene: DSC2 (desmocollin 2; minus strand). Cytogenetic location: 18q12.1.
Variant type: single nucleotide variant.
Coding change: c.2312C>A on transcript NM_024422.6 (MANE Select); coding-DNA position 2312, C replaced by A.
Protein change: p.Thr771Asn; replaces threonine 771 with asparagine.
Molecular consequence: missense variant.
Genome position (GRCh38, 1-based): chr18:31,069,090, G>T on the plus strand (C>A on the coding strand, the complement: DSC2 is on the minus strand). VCF-style: chr18-31069090-G-T. GRCh37 (hg19) VCF-style: chr18-28649056-G-T.
Other names: c.2312C>A, p.Thr771Asn (NM_004949.5); short protein forms T771N.
Identifiers: ClinVar variation 1171648 (VCV001171648.4), dbSNP rs2144784219, ClinGen allele CA402111907.
Genomic context (GRCh38, chr18:31,069,090, plus strand): 5'-TGTCCTCCTTTCACCATTTCGATGGTCTCCTGACCTCCGTTTTTGATTCCTGATCCCACG[G>T]TGCCACAAACTCCCTGAGCAGAAGCGCCCACAGTTTGGGTTGTGAAGCCATTCGCAGAAT-3'
Protein context (NP_077740.1, residues 761-781): VGASAQGVCG[Thr771Asn]VGSGIKNGGQ

ClinVar aggregate classification (germline): Uncertain significance (1 of 4 stars; one submission).

Conditions:
Cardiomyopathy (CMYO). Also called: Cardiomyopathies. Identifiers: Orphanet 167848, MedGen C0878544, MONDO:0004994, HP:0001638. Inheritance: Various modes of inheritance.

Allele frequency attached by ClinVar (database versions not stated): gnomAD exomes below 0.00001.
gnomAD v4.1: 1 of 1,614,056 alleles (0.000062%); highest among the groups gnomAD compares: Non-Finnish European, 0.000085%; no homozygotes.

Submission:

Color Diagnostics, LLC DBA Color Health
Classification: Uncertain significance for Cardiomyopathy. Last evaluated: 2024-03-06. Review status: criteria provided, single submitter. Criteria: ACMG Guidelines, 2015. Collection method: clinical testing. Allele origin: germline.
Comment: This missense variant replaces threonine with asparagine at codon 771 of the DSC2 protein. Computational prediction suggests that this variant may not impact protein structure and function (internally defined REVEL score threshold <= 0.5, PMID: 27666373). To our knowledge, functional studies have not been reported for this variant. This variant has not been reported in individuals affected with cardiovascular disorders in the literature. This variant has not been identified in the general population by the Genome Aggregation Database (gnomAD). The available evidence is insufficient to determine the role of this variant in disease conclusively. Therefore, this variant is classified as a Variant of Uncertain Significance.